The following is an entry in ClinVar:

NM_001378418.1(TCF20):c.5806C>G (p.Leu1936Val)

Gene: TCF20 (transcription factor 20; minus strand). Cytogenetic location: 22q13.2.
Variant type: single nucleotide variant.
Coding change: c.5806C>G on transcript NM_001378418.1 (MANE Select); coding-DNA position 5806, C replaced by G.
Protein change: p.Leu1936Val; replaces leucine 1936 with valine.
Molecular consequence: missense variant. On other transcripts: intron variant (1).
Genome position (GRCh38, 1-based): chr22:42,168,730, G>C on the plus strand (C>G on the coding strand, the complement: TCF20 is on the minus strand). VCF-style: chr22-42168730-G-C. GRCh37 (hg19) VCF-style: chr22-42564736-G-C.
Other names: c.5806C>G, p.Leu1936Val (NM_005650.4); c.5799+1117C>G (NM_181492.3); short protein forms L1936V.
Identifiers: ClinVar variation 3343718 (VCV003343718.1).

ClinVar aggregate classification (germline): Uncertain significance (1 of 4 stars; one submission).

Submission:

GeneDx
Classification: Uncertain significance. Last evaluated: 2023-06-04. Review status: criteria provided, single submitter. Criteria: GeneDx Variant Classification Process June 2021. Collection method: clinical testing. Allele origin: germline. Affected: yes.
Comment: Not observed at significant frequency in large population cohorts (gnomAD); In silico analysis supports that this missense variant does not alter protein structure/function; Has not been previously published as pathogenic or benign to our knowledge